The following is an entry in ClinVar:

NM_000088.4(COL1A1):c.3460G>T (p.Gly1154Ter)

Gene: COL1A1 (collagen type I alpha 1 chain; minus strand). Cytogenetic location: 17q21.33.
Variant type: single nucleotide variant.
Coding change: c.3460G>T on transcript NM_000088.4 (MANE Select); coding-DNA position 3460, G replaced by T.
Protein change: p.Gly1154Ter; replaces glycine 1154 with a stop codon.
Molecular consequence: nonsense.
Genome position (GRCh38, 1-based): chr17:50,187,086, C>A on the plus strand (G>T on the coding strand, the complement: COL1A1 is on the minus strand). VCF-style: chr17-50187086-C-A. GRCh37 (hg19) VCF-style: chr17-48264447-C-A.
Other names: short protein forms G1154*.
Identifiers: ClinVar variation 4722558 (VCV004722558.1).

ClinVar aggregate classification (germline): Pathogenic (1 of 4 stars; one submission).

Conditions:
Osteogenesis imperfecta type I (OI1). Also called: Lobstein disease; Classic Non-deforming Osteogenesis Imperfecta with Blue Sclerae; OI, TYPE I; OSTEOGENESIS IMPERFECTA TARDA; OSTEOGENESIS IMPERFECTA WITH BLUE SCLERAE; Osteogenesis imperfecta type 1. Identifiers: Orphanet 216796, Orphanet 666, MedGen C0023931, MONDO:0008146, OMIM 166200. Disease mechanism: loss of function.

Submission:

Labcorp Genetics (formerly Invitae), Labcorp
Classification: Pathogenic for Osteogenesis imperfecta type I. Last evaluated: 2025-07-02. Review status: criteria provided, single submitter. Criteria: Invitae Variant Classification Sherloc (09022015). Collection method: clinical testing. Allele origin: germline.
Comment: This sequence change creates a premature translational stop signal (p.Gly1154*) in the COL1A1 gene. It is expected to result in an absent or disrupted protein product. Loss-of-function variants in COL1A1 are known to be pathogenic (PMID: 7942841, 9295084, 9443882). This variant is not present in population databases (gnomAD no frequency). This variant has not been reported in the literature in individuals affected with COL1A1-related conditions. For these reasons, this variant has been classified as Pathogenic.

Literature cited by the submitters: PubMed 7942841; PubMed 9295084; PubMed 9443882.